The following is an entry in ClinVar:

NM_000355.4(TCN2):c.667A>G (p.Ile223Val)

Gene: TCN2 (transcobalamin 2; plus strand). Cytogenetic location: 22q12.2.
Variant type: single nucleotide variant.
Coding change: c.667A>G on transcript NM_000355.4 (MANE Select); coding-DNA position 667, A replaced by G.
Protein change: p.Ile223Val; replaces isoleucine 223 with valine.
Molecular consequence: missense variant.
Genome position (GRCh38, 1-based): chr22:30,615,387, A>G. VCF-style: chr22-30615387-A-G. GRCh37 (hg19) VCF-style: chr22-31011374-A-G.
Other names: c.586A>G, p.Ile196Val (NM_001184726.2); short protein forms I196V, I223V.
Identifiers: ClinVar variation 1421881 (VCV001421881.3), dbSNP rs144889471, ClinGen allele CA10184769.

ClinVar aggregate classification (germline): Uncertain significance (1 of 4 stars; one submission).

Conditions:
Transcobalamin II deficiency (TCN2D). Also called: Transcolabamin II deficiency; TC II DEFICIENCY; TCN2 DEFICIENCY. Identifiers: Orphanet 859, MedGen C0342701, MONDO:0010149, OMIM 275350.

Allele frequency attached by ClinVar (database versions not stated): TOPMed 0.00005; gnomAD 0.00006; ExAC 0.00007; gnomAD exomes 0.00007; ESP Exome Variant Server 0.00023.
gnomAD v4.1: 110 of 1,614,036 alleles (0.0068%); highest among the groups gnomAD compares: Non-Finnish European, 0.0087%; no homozygotes.

Submission:

Labcorp Genetics (formerly Invitae), Labcorp
Classification: Uncertain significance for Transcobalamin II deficiency. Last evaluated: 2021-11-26. Review status: criteria provided, single submitter. Criteria: Invitae Variant Classification Sherloc (09022015). Collection method: clinical testing. Allele origin: germline.
Comment: This sequence change replaces isoleucine, which is neutral and non-polar, with valine, which is neutral and non-polar, at codon 223 of the TCN2 protein (p.Ile223Val). This variant is present in population databases (rs144889471, gnomAD 0.01%). This variant has not been reported in the literature in individuals affected with TCN2-related conditions. Algorithms developed to predict the effect of missense changes on protein structure and function (SIFT, PolyPhen-2, Align-GVGD) all suggest that this variant is likely to be tolerated. In summary, the available evidence is currently insufficient to determine the role of this variant in disease. Therefore, it has been classified as a Variant of Uncertain Significance.